The following is an entry in ClinVar:

ClinVar aggregate classification (germline): Uncertain significance (1 of 4 stars; one submission).

Conditions:
Spermatogenic failure 18. Identifiers: MedGen C4539783, MONDO:0054615, OMIM 617576.
Ciliary dyskinesia, primary, 37 (CILD37). Also called: CILIARY DYSKINESIA, PRIMARY, 37, WITH OR WITHOUT SITUS INVERSUS. Identifiers: MedGen C4539798, MONDO:0033204, OMIM 617577.

Submission:

Labcorp Genetics (formerly Invitae), Labcorp
Classification: Uncertain significance for Ciliary dyskinesia, primary, 37; Spermatogenic failure 18. Last evaluated: 2022-08-06. Review status: criteria provided, single submitter. Criteria: Invitae Variant Classification Sherloc (09022015). Collection method: clinical testing. Allele origin: germline.
Comment: In summary, the available evidence is currently insufficient to determine the role of this variant in disease. Therefore, it has been classified as a Variant of Uncertain Significance. Algorithms developed to predict the effect of missense changes on protein structure and function are either unavailable or do not agree on the potential impact of this missense change (SIFT: "Deleterious"; PolyPhen-2: "Probably Damaging"; Align-GVGD: "Class C0"). This variant has not been reported in the literature in individuals affected with DNAH1-related conditions. This variant is not present in population databases (gnomAD no frequency). This sequence change replaces glutamic acid, which is acidic and polar, with lysine, which is basic and polar, at codon 3370 of the DNAH1 protein (p.Glu3370Lys).

NM_015512.5(DNAH1):c.10108G>A (p.Glu3370Lys)

Gene: DNAH1 (dynein axonemal heavy chain 1; plus strand). Cytogenetic location: 3p21.1.
Variant type: single nucleotide variant.
Coding change: c.10108G>A on transcript NM_015512.5 (MANE Select); coding-DNA position 10108, G replaced by A.
Protein change: p.Glu3370Lys; replaces glutamic acid 3370 with lysine.
Molecular consequence: missense variant.
Genome position (GRCh38, 1-based): chr3:52,392,519, G>A. VCF-style: chr3-52392519-G-A. GRCh37 (hg19) VCF-style: chr3-52426535-G-A.
Other names: short protein forms E3370K.
Identifiers: ClinVar variation 1715304 (VCV001715304.6), dbSNP rs2471286929, ClinGen allele CA353200438.